The following is an entry in ClinVar:

NM_003850.3(SUCLA2):c.880_884del (p.Trp294fs)

Gene: SUCLA2 (succinate-CoA ligase ADP-forming subunit beta; minus strand). Cytogenetic location: 13q14.2.
Variant type: Deletion.
Coding change: c.880_884del on transcript NM_003850.3 (MANE Select); coding-DNA positions 880 to 884, 5 bases deleted (TGGAC; older notation c.880_884delTGGAC).
Protein change: p.Trp294fs; shifts the reading frame from tryptophan 294.
Molecular consequence: frameshift variant.
Genome position (GRCh38, 1-based): chr13:47,954,476-47,954,480, GTCCA deleted on the plus strand (TGGAC on the coding strand, the reverse complement: SUCLA2 is on the minus strand); deleting any 5 consecutive bases within chr13:47,954,476-47,954,484 gives the same sequence; the c. name uses the placement nearest the transcript's 3' end. VCF-style (leftmost placement, unchanged base first): chr13-47954475-GGTCCA-G. GRCh37 (hg19) VCF-style: chr13-48528610-GGTCCA-G.
Other names: short protein forms W294fs.
Identifiers: ClinVar variation 4766711 (VCV004766711.1).

ClinVar aggregate classification (germline): Pathogenic (1 of 4 stars; one submission).

Conditions:
Mitochondrial DNA depletion syndrome, encephalomyopathic form with methylmalonic aciduria (MTDPS5). Also called: MITOCHONDRIAL DNA DEPLETION SYNDROME, ENCEPHALOMYOPATHIC FORM, WITH OR WITHOUT METHYLMALONIC ACIDURIA, AUTOSOMAL RECESSIVE, SUCLA2-RELATED; Mitochondrial DNA depletion syndrome 5 (encephalomyopathic with or without methylmalonic aciduria); SUCLA2-Related Mitochondrial DNA Depletion Syndrome, Encephalomyopathic Form with Methylmalonic Aciduria; Mitochondrial encephalomyopathy aminoacidopathy. Identifiers: Orphanet 1933, MedGen C5980207, MONDO:0012791, OMIM 612073.

Submission:

Labcorp Genetics (formerly Invitae), Labcorp
Classification: Pathogenic for Mitochondrial DNA depletion syndrome, encephalomyopathic form with methylmalonic aciduria. Last evaluated: 2025-10-28. Review status: criteria provided, single submitter. Criteria: Invitae Variant Classification Sherloc (09022015). Collection method: clinical testing. Allele origin: germline.
Comment: This sequence change creates a premature translational stop signal (p.Trp294Profs*4) in the SUCLA2 gene. It is expected to result in an absent or disrupted protein product. Loss-of-function variants in SUCLA2 are known to be pathogenic (PMID: 15877282, 17301081). This variant is present in population databases (no rsID available, gnomAD 0.007%). This variant has not been reported in the literature in individuals affected with SUCLA2-related conditions. For these reasons, this variant has been classified as Pathogenic.

Literature cited by the submitters: PubMed 15877282; PubMed 17301081.